The following is an entry in ClinVar:

NM_022041.4(GAN):c.830C>G (p.Thr277Ser)

Gene: GAN (gigaxonin; plus strand). Cytogenetic location: 16q23.2.
Variant type: single nucleotide variant.
Coding change: c.830C>G on transcript NM_022041.4 (MANE Select); coding-DNA position 830, C replaced by G.
Protein change: p.Thr277Ser; replaces threonine 277 with serine.
Molecular consequence: missense variant.
Genome position (GRCh38, 1-based): chr16:81,356,981, C>G. VCF-style: chr16-81356981-C-G. GRCh37 (hg19) VCF-style: chr16-81390586-C-G.
Other names: c.191C>G, p.Thr64Ser (NM_001377486.1); short protein forms T277S, T64S.
Identifiers: ClinVar variation 1762865 (VCV001762865.5), dbSNP rs755554709, ClinGen allele CA8191498.

ClinVar aggregate classification (germline): Uncertain significance. Review status: criteria provided, multiple submitters, no conflicts (2 of 4 stars). 2 submissions from 2 submitters: Uncertain significance (2). Last evaluated 2024-01-16.

Conditions:
Inborn genetic diseases. Identifiers: MedGen C0950123, MeSH D030342.
Giant axonal neuropathy 1 (GAN1). Also called: GIANT AXONAL NEUROPATHY 1, AUTOSOMAL RECESSIVE; GAN-Related Neurodegeneration. Identifiers: Orphanet 643, MedGen C1850386, MONDO:0009749, OMIM 256850.

Allele frequency attached by ClinVar (database versions not stated): TOPMed below 0.00001; ExAC 0.00001.
gnomAD v4.1: 6 of 1,607,982 alleles (0.00037%); highest among the groups gnomAD compares: African/African-American, 0.0013%; no homozygotes.

Submissions (2):

Ambry Genetics
Classification: Uncertain significance for Inborn genetic diseases. Last evaluated: 2024-01-16. Review status: criteria provided, single submitter. Criteria: Ambry Variant Classification Scheme 2023. Collection method: clinical testing. Allele origin: germline.

Labcorp Genetics (formerly Invitae), Labcorp
Classification: Uncertain significance for Giant axonal neuropathy 1. Last evaluated: 2022-03-31. Review status: criteria provided, single submitter. Criteria: Invitae Variant Classification Sherloc (09022015). Collection method: clinical testing. Allele origin: germline.
Comment: This sequence change replaces threonine, which is neutral and polar, with serine, which is neutral and polar, at codon 277 of the GAN protein (p.Thr277Ser). This variant is present in population databases (rs755554709, gnomAD 0.004%). This variant has not been reported in the literature in individuals affected with GAN-related conditions. Algorithms developed to predict the effect of missense changes on protein structure and function (SIFT, PolyPhen-2, Align-GVGD) all suggest that this variant is likely to be tolerated. Algorithms developed to predict the effect of sequence changes on RNA splicing suggest that this variant may create or strengthen a splice site. In summary, the available evidence is currently insufficient to determine the role of this variant in disease. Therefore, it has been classified as a Variant of Uncertain Significance.